The following is an entry in ClinVar:

ClinVar aggregate classification (germline): Conflicting classifications of pathogenicity. Review status: criteria provided, conflicting classifications (1 of 4 stars). 6 submissions from 6 submitters: Uncertain significance (1); Likely benign (4). 1 of the submissions does not count toward it. Last evaluated 2026-05-01.

Conditions:
Cone-rod dystrophy 15 (CORD15). Identifiers: MedGen C3150912, MONDO:0013348, OMIM 613660.

Allele frequency attached by ClinVar (database versions not stated): 1000 Genomes Project 0.00060; 1000 Genomes Project 30x 0.00062; ExAC 0.00119; gnomAD exomes 0.00142; TOPMed 0.00152; ESP Exome Variant Server 0.00161; gnomAD 0.00165 and 0.00167.
gnomAD v4.1: 4,334 of 1,614,146 alleles (0.27%); highest among the groups gnomAD compares: Non-Finnish European, 0.35%; 5 homozygotes.

Submissions (6):

CeGaT Center for Human Genetics Tuebingen
Classification: Likely benign. Last evaluated: 2026-05-01. Review status: criteria provided, single submitter. Criteria: CeGaT Center For Human Genetics Tuebingen Variant Classification Criteria Version 2. Collection method: clinical testing. Allele origin: germline. Affected: yes. Observed: 3 variant alleles.
Comment: CDHR1: BP4, BP7

Labcorp Genetics (formerly Invitae), Labcorp
Classification: Likely benign. Last evaluated: 2026-01-21. Review status: criteria provided, single submitter. Criteria: Invitae Variant Classification Sherloc (09022015). Collection method: clinical testing. Allele origin: germline.

Blueprint Genetics
Classification: Likely benign. Last evaluated: 2024-11-08. Review status: criteria provided, single submitter. Criteria: ACMG Guidelines, 2015. Collection method: clinical testing. Allele origin: germline.

Illumina Laboratory Services, Illumina
Classification: Uncertain significance for Cone-rod dystrophy 15. Last evaluated: 2018-01-12. Review status: criteria provided, single submitter. Criteria: ICSL Variant Classification Criteria 13 December 2019. Collection method: clinical testing. Allele origin: germline.

Clinical Genetics DNA and cytogenetics Diagnostics Lab, Erasmus MC, Erasmus Medical Center
Classification: Likely benign for Cone-rod dystrophy 15. Last evaluated: 2017-06-28. Review status: criteria provided, single submitter. Criteria: ACGS Guidelines, 2013. Collection method: clinical testing. Allele origin: germline. Affected: yes. Study: VKGL Data-share Consensus.

Clinical Genetics, Academic Medical Center
Classification: Benign. Review status: no assertion criteria provided. Collection method: clinical testing. Allele origin: germline. Affected: yes. Study: VKGL Data-share Consensus. Not counted in ClinVar's aggregate classification.

NM_033100.4(CDHR1):c.1071C>T (p.Ser357=)

Gene: CDHR1 (cadherin related family member 1; plus strand). Cytogenetic location: 10q23.1.
Variant type: single nucleotide variant.
Coding change: c.1071C>T on transcript NM_033100.4 (MANE Select); coding-DNA position 1071, C replaced by T.
Protein change: p.Ser357=; no amino-acid change (serine 357 retained).
Molecular consequence: synonymous variant.
Genome position (GRCh38, 1-based): chr10:84,208,281, C>T. VCF-style: chr10-84208281-C-T. GRCh37 (hg19) VCF-style: chr10-85968037-C-T.
Other names: c.1071C>T, p.Ser357= (NM_001171971.3).
Identifiers: ClinVar variation 301233 (VCV000301233.59), dbSNP rs146588811, ClinGen allele CA5579830.